The following is an entry in ClinVar:

NM_002299.4(LCT):c.4087G>A (p.Gly1363Ser)

Gene: LCT (lactase; minus strand). Cytogenetic location: 2q21.3.
Variant type: single nucleotide variant.
Coding change: c.4087G>A on transcript NM_002299.4 (MANE Select); coding-DNA position 4087, G replaced by A.
Protein change: p.Gly1363Ser; replaces glycine 1363 with serine.
Molecular consequence: missense variant.
Genome position (GRCh38, 1-based): chr2:135,807,214, C>T on the plus strand (G>A on the coding strand, the complement: LCT is on the minus strand). VCF-style: chr2-135807214-C-T. GRCh37 (hg19) VCF-style: chr2-136564784-C-T.
Other names: c.4087G>A (LRG_338t1); short protein forms G1363S.
Identifiers: ClinVar variation 56388 (VCV000056388.2), dbSNP rs386833833, ClinGen allele CA144313.

ClinVar aggregate classification (germline): Likely pathogenic (0 of 4 stars; one submission).

Conditions:
Congenital lactase deficiency. Also called: ALACTASIA, CONGENITAL; DISACCHARIDE INTOLERANCE II. Identifiers: Orphanet 53690, MedGen C0268179, MONDO:0009115, OMIM 223000.

Allele frequency attached by ClinVar (database versions not stated): TOPMed below 0.00001; ExAC 0.00001; gnomAD 0.00001; gnomAD exomes below 0.00001.
gnomAD v4.1: 3 of 1,614,074 alleles (0.00019%); highest among the groups gnomAD compares: Non-Finnish European, 0.00017%; no homozygotes.

Submission:

Juha Muilu Group; Institute for Molecular Medicine Finland (FIMM)
Classification: Likely pathogenic for Congenital lactase deficiency. Review status: no assertion criteria provided. Collection method: not provided. Allele origin: unknown.
Comment: FinDis database variant: This variant was not found or characterized by our laboratory, data were collected from public sources: see reference
ClinVar note: Converted during submission from probable-pathogenic to Likely pathogenic.